The following is an entry in ClinVar:

NM_001010892.3(RSPH4A):c.1707del (p.Glu570fs)

Gene: RSPH4A (radial spoke head component 4A; plus strand). Cytogenetic location: 6q22.1.
Variant type: Deletion.
Coding change: c.1707del on transcript NM_001010892.3 (MANE Select); coding-DNA position 1707, one base deleted (A; older notation c.1707delA).
Protein change: p.Glu570fs; shifts the reading frame from glutamic acid 570.
Molecular consequence: frameshift variant. On other transcripts: intron variant (1).
Genome position (GRCh38, 1-based): chr6:116,629,611, A deleted; the last of 2 consecutive A bases (chr6:116,629,610-116,629,611); deleting either gives the same sequence. VCF-style (leftmost placement, unchanged base first): chr6-116629609-GA-G. GRCh37 (hg19) VCF-style: chr6-116950772-GA-G.
Other names: c.1663-824del (NM_001161664.2); short protein forms E570fs.
Identifiers: ClinVar variation 454522 (VCV000454522.7), dbSNP rs902750903, ClinGen allele CA145927801.
Genomic context (GRCh38, chr6:116,629,609, plus strand): 5'-TGCAACATTCATTCCCAGGGTCGCTGTAATTGGTTCAACTCCATACAAAAAAATGAGGAA[GA>G]AGAAGAGGAAGAAGATGAAGAAAAAGACGATTCTGACTACATAGAACAGGAAGTGGGGCT-3'

ClinVar aggregate classification (germline): Pathogenic (1 of 4 stars; one submission).

Conditions:
Primary ciliary dyskinesia. Also called: Ciliary dyskinesia. Identifiers: Orphanet 244, MedGen C0008780, MONDO:0016575, HP:0012265.

Submission:

Labcorp Genetics (formerly Invitae), Labcorp
Classification: Pathogenic for Primary ciliary dyskinesia. Last evaluated: 2017-04-04. Review status: criteria provided, single submitter. Criteria: Invitae Variant Classification Sherloc (09022015). Collection method: clinical testing. Allele origin: germline.
Comment: While this particular variant has not been reported in the literature, loss-of-function variants in RSPH4A are known to be pathogenic (PMID: 19200523). For these reasons, this variant has been classified as Pathogenic. This sequence change deletes 1 nucleotide from exon 4 of the RSPH4A mRNA (c.1707delA), causing a frameshift at codon 570. This creates a premature translational stop signal (p.Glu570Lysfs*14) and is expected to result in an absent or disrupted protein product.

Literature cited by the submitters: PubMed 19200523.